The following is an entry in ClinVar:

NM_020911.2(PLXNA4):c.3875-8C>T

Gene: PLXNA4 (plexin A4; minus strand). Cytogenetic location: 7q32.3.
Variant type: single nucleotide variant.
Coding change: c.3875-8C>T on transcript NM_020911.2 (MANE Select); 8 bases into the intron before coding-DNA position 3875, C replaced by T.
Molecular consequence: intron variant.
Genome position (GRCh38, 1-based): chr7:132,174,928, G>A on the plus strand (C>T on the coding strand, the complement: PLXNA4 is on the minus strand). VCF-style: chr7-132174928-G-A. GRCh37 (hg19) VCF-style: chr7-131859687-G-A.
Other names: c.3875-8C>T (NM_001393897.1).
Identifiers: ClinVar variation 3055193 (VCV003055193.2), dbSNP rs540175711, ClinGen allele CA4489339.

ClinVar aggregate classification (germline): Likely benign (0 of 4 stars; one submission).

Conditions:
PLXNA4-related disorder. Also called: PLXNA4-related condition.

Allele frequency attached by ClinVar (database versions not stated): TOPMed 0.00006; gnomAD 0.00014; gnomAD exomes 0.00023; ExAC 0.00058; 1000 Genomes Project 0.00060; 1000 Genomes Project 30x 0.00078.
gnomAD v4.1: 374 of 1,613,712 alleles (0.023%); highest among the groups gnomAD compares: South Asian, 0.32%; 2 homozygotes.

Submission:

PreventionGenetics, part of Exact Sciences
Classification: Likely benign for PLXNA4-related condition. Last evaluated: 2021-08-31. Review status: no assertion criteria provided. Collection method: clinical testing. Allele origin: germline.
Comment: This variant is classified as likely benign based on ACMG/AMP sequence variant interpretation guidelines (Richards et al. 2015 PMID: 25741868, with internal and published modifications).